The following is an entry in ClinVar:

NM_002230.4(JUP):c.613A>G (p.Thr205Ala)

Gene: JUP (junction plakoglobin; minus strand). Cytogenetic location: 17q21.2.
Variant type: single nucleotide variant.
Coding change: c.613A>G on transcript NM_002230.4 (MANE Select); coding-DNA position 613, A replaced by G.
Protein change: p.Thr205Ala; replaces threonine 205 with alanine.
Molecular consequence: missense variant.
Genome position (GRCh38, 1-based): chr17:41,769,063, T>C on the plus strand (A>G on the coding strand, the complement: JUP is on the minus strand). VCF-style: chr17-41769063-T-C. GRCh37 (hg19) VCF-style: chr17-39925315-T-C.
Other names: c.613A>G, p.Thr205Ala (NM_001352773.2, NM_001352774.2, NM_001352775.2 and 3 more transcripts); short protein forms T205A.
Identifiers: ClinVar variation 4787696 (VCV004787696.1).

ClinVar aggregate classification (germline): Uncertain significance (1 of 4 stars; one submission).

Conditions:
Naxos disease (NXD). Also called: KERATOSIS PALMOPLANTARIS WITH ARRHYTHMOGENIC CARDIOMYOPATHY; MAL DE NAXOS; PALMOPLANTAR KERATODERMA WITH ARRHYTHMOGENIC RIGHT VENTRICULAR CARDIOMYOPATHY AND WOOLLY HAIR; WOOLLY HAIR, PALMOPLANTAR KERATODERMA, AND CARDIAC ABNORMALITIES; CARDIOMYOPATHY, ARRHYTHMOGENIC RIGHT VENTRICULAR, WITH SKIN, HAIR, AND NAIL ABNORMALITIES. Identifiers: Orphanet 34217, MedGen C1832600, MONDO:0011017, OMIM 601214.
Arrhythmogenic right ventricular dysplasia 12. Also called: ARRHYTHMOGENIC RIGHT VENTRICULAR DYSPLASIA, FAMILIAL, 12. Identifiers: MedGen C1969081, MONDO:0012684, OMIM 611528.

Submission:

Labcorp Genetics (formerly Invitae), Labcorp
Classification: Uncertain significance for Arrhythmogenic right ventricular dysplasia 12; Naxos disease. Last evaluated: 2025-12-29. Review status: criteria provided, single submitter. Criteria: Invitae Variant Classification Sherloc (09022015). Collection method: clinical testing. Allele origin: germline.
Comment: This sequence change replaces threonine, which is neutral and polar, with alanine, which is neutral and non-polar, at codon 205 of the JUP protein (p.Thr205Ala). This variant is present in population databases (no rsID available, gnomAD 0.02%). This variant has not been reported in the literature in individuals affected with JUP-related conditions. An algorithm developed to predict the effect of missense changes on protein structure and function (PolyPhen-2) suggests that this variant is likely to be tolerated. In summary, the available evidence is currently insufficient to determine the role of this variant in disease. Therefore, it has been classified as a Variant of Uncertain Significance.